The following is an entry in ClinVar:

NM_153026.3(PRICKLE1):c.2163C>G (p.Ile721Met)

Gene: PRICKLE1 (prickle planar cell polarity protein 1; minus strand). Cytogenetic location: 12q12.
Variant type: single nucleotide variant.
Coding change: c.2163C>G on transcript NM_153026.3 (MANE Select); coding-DNA position 2163, C replaced by G.
Protein change: p.Ile721Met; replaces isoleucine 721 with methionine.
Molecular consequence: missense variant.
Genome position (GRCh38, 1-based): chr12:42,460,142, G>C on the plus strand (C>G on the coding strand, the complement: PRICKLE1 is on the minus strand). VCF-style: chr12-42460142-G-C. GRCh37 (hg19) VCF-style: chr12-42853944-G-C.
Other names: c.2163C>G, p.Ile721Met (NM_001144881.2, NM_001144882.2, NM_001144883.2); short protein forms I721M.
Identifiers: ClinVar variation 941993 (VCV000941993.9), dbSNP rs1273178828, ClinGen allele CA384440070.
Genomic context (GRCh38, chr12:42,460,142, plus strand): 5'-ATAATCGGAAGTGGCATGGGCGTACTGTCCGTAGAGATCAGCATTCTGGATGTATGCTTG[G>C]ATCTCCCGGGCACTTTTATTCTGTATAAATTTCTCATAGTTATCGGGGGTGTACAGCCGC-3'
Protein context (NP_694571.2, residues 711-731): KFIQNKSARE[Ile721Met]QAYIQNADLY

ClinVar aggregate classification (germline): Uncertain significance (1 of 4 stars; one submission).

Conditions:
Epilepsy, progressive myoclonic, 1B. Also called: PME. Identifiers: Orphanet 308, MedGen C2676254, MONDO:0012904, OMIM 612437.

Submission:

Labcorp Genetics (formerly Invitae), Labcorp
Classification: Uncertain significance for Epilepsy, progressive myoclonic, 1B. Last evaluated: 2020-02-21. Review status: criteria provided, single submitter. Criteria: Invitae Variant Classification Sherloc (09022015). Collection method: clinical testing. Allele origin: germline.
Comment: In summary, the available evidence is currently insufficient to determine the role of this variant in disease. Therefore, it has been classified as a Variant of Uncertain Significance. Algorithms developed to predict the effect of missense changes on protein structure and function output the following: SIFT: "Tolerated"; PolyPhen-2: "Benign"; Align-GVGD: "Class C0". The methionine amino acid residue is found in multiple mammalian species, suggesting that this missense change does not adversely affect protein function. These predictions have not been confirmed by published functional studies and their clinical significance is uncertain. This variant has not been reported in the literature in individuals with PRICKLE1-related conditions. This variant is not present in population databases (ExAC no frequency). This sequence change replaces isoleucine with methionine at codon 721 of the PRICKLE1 protein (p.Ile721Met). The isoleucine residue is weakly conserved and there is a small physicochemical difference between isoleucine and methionine.